The following is an entry in ClinVar:

NM_002063.4(GLRA2):c.494G>C (p.Arg165Thr)

Gene: GLRA2 (glycine receptor alpha 2; plus strand). Cytogenetic location: Xp22.2.
Variant type: single nucleotide variant.
Coding change: c.494G>C on transcript NM_002063.4 (MANE Select); coding-DNA position 494, G replaced by C.
Protein change: p.Arg165Thr; replaces arginine 165 with threonine.
Molecular consequence: missense variant.
Genome position (GRCh38, 1-based): chrX:14,581,406, G>C. VCF-style: chrX-14581406-G-C. GRCh37 (hg19) VCF-style: chrX-14599528-G-C.
Other names: c.494G>C, p.Arg165Thr (NM_001118885.2, NM_001118886.2); c.227G>C, p.Arg76Thr (NM_001171942.2); short protein forms R165T, R76T.
Identifiers: ClinVar variation 4536752 (VCV004536752.1).

ClinVar aggregate classification (germline): Likely pathogenic (1 of 4 stars; one submission).

Conditions:
Intellectual developmental disorder, X-linked, syndromic, Pilorge type. Identifiers: MedGen C5676881, MONDO:0024772, OMIM 301076.

Submission:

Women's Health and Genetics/Laboratory Corporation of America, LabCorp
Classification: Likely pathogenic for Intellectual developmental disorder, X-linked, syndromic, Pilorge type. Last evaluated: 2025-11-13. Review status: criteria provided, single submitter. Criteria: LabCorp Variant Classification Summary - May 2015. Collection method: clinical testing. Allele origin: germline.
Comment: Variant summary: GLRA2 c.494G>C (p.Arg165Thr) results in a non-conservative amino acid change in the encoded protein sequence. Algorithms developed to predict the effect of missense changes on protein structure and function all suggest that this variant is likely to be disruptive. In addition, this variant affects the last nucleotide of exon 4, therefore can also affect splicing. Several computational tools predict a significant impact on normal splicing: three predict the variant weakens a 5' donor site, while one predicts no significant impact on splicing. However, these predictions have yet to be confirmed by functional studies. The variant was absent in 1,094,861 control chromosomes (gnomAD v4.1 dataset). To our knowledge, no experimental evidence demonstrating an impact on protein function has been reported. The following publications have been ascertained in the context of this evaluation (PMID: 40227176, 35396272). No submitters have cited clinical-significance assessments for this variant to ClinVar. Based on the evidence outlined above, the variant was classified as likely pathogenic.

Literature cited by the submitters: PubMed 40227176; PubMed 35396272.